The following is an entry in ClinVar:

ClinVar aggregate classification (germline): Uncertain significance (1 of 4 stars; one submission).

Conditions:
Developmental and epileptic encephalopathy 106 (DEE106). Identifiers: MedGen C5774212, MONDO:0031052, OMIM 620028.
Spondyloepimetaphyseal dysplasia, di rocco type. Identifiers: MedGen C4693799, MONDO:0060702, OMIM 617974.
Hip dysplasia, Beukes type. Also called: OSTEOARTHROPATHY, PREMATURE DEGENERATIVE, OF HIP; BEUKES FAMILIAL HIP DYSPLASIA. Identifiers: Orphanet 2114, MedGen C1840572, MONDO:0007726, OMIM 142669.

Submission:

Juno Genomics, Hangzhou Juno Genomics, Inc
Classification: Uncertain significance for Spondyloepimetaphyseal dysplasia, di rocco type; Hip dysplasia, Beukes type; Developmental and epileptic encephalopathy 106. Review status: criteria provided, single submitter. Criteria: ACMG Guidelines, 2015. Collection method: clinical testing. Allele origin: germline.
Comment: Absent from controls (or at extremely low frequency if recessive) in Genome Aggregation Database.;Multiple lines of computational evidence support a deleterious effect on the gene or gene product.

NM_018359.5(UFSP2):c.492-3C>A

Genes: CFAP96 (cilia and flagella associated protein 96; plus strand), UFSP2 (UFM1 specific peptidase 2; minus strand). Cytogenetic location: 4q35.1.
Variant type: single nucleotide variant.
Coding change: c.492-3C>A on transcript NM_018359.5 (MANE Select); 3 bases into the intron before coding-DNA position 492, C replaced by A.
Molecular consequence: intron variant.
Genome position (GRCh38, 1-based): chr4:185,415,350, G>T on the plus strand (C>A on the coding strand, the complement: UFSP2 is on the minus strand). VCF-style: chr4-185415350-G-T. GRCh37 (hg19) VCF-style: chr4-186336504-G-T.
Identifiers: ClinVar variation 5018813 (VCV005018813.2).